The following is an entry in ClinVar:

NM_001101362.3(KBTBD13):c.543C>G (p.Asp181Glu)

Gene: KBTBD13 (kelch repeat and BTB domain containing 13; plus strand). Cytogenetic location: 15q22.31.
Variant type: single nucleotide variant.
Coding change: c.543C>G on transcript NM_001101362.3 (MANE Select); coding-DNA position 543, C replaced by G.
Protein change: p.Asp181Glu; replaces aspartic acid 181 with glutamic acid.
Molecular consequence: missense variant.
Genome position (GRCh38, 1-based): chr15:65,077,358, C>G. VCF-style: chr15-65077358-C-G. GRCh37 (hg19) VCF-style: chr15-65369696-C-G.
Other names: short protein forms D181E.
Identifiers: ClinVar variation 579317 (VCV000579317.15), dbSNP rs760224608, ClinGen allele CA271503661.

ClinVar aggregate classification (germline): Uncertain significance. Review status: criteria provided, multiple submitters, no conflicts (2 of 4 stars). 3 submissions from 3 submitters: Uncertain significance (3). Last evaluated 2025-10-06.

Conditions:
Nemaline myopathy 6 (NEM6). Also called: Nemaline myopathy 6, autosomal dominant. Identifiers: Orphanet 171439, MedGen C1836472, MONDO:0012237, OMIM 609273.
Inborn genetic diseases. Identifiers: MedGen C0950123, MeSH D030342.

Allele frequency attached by ClinVar (database versions not stated): gnomAD 0.00002; TOPMed 0.00003.

Submissions (3):

Labcorp Genetics (formerly Invitae), Labcorp
Classification: Uncertain significance for Nemaline myopathy 6. Last evaluated: 2025-10-06. Review status: criteria provided, single submitter. Criteria: Invitae Variant Classification Sherloc (09022015). Collection method: clinical testing. Allele origin: germline.
Comment: This sequence change replaces aspartic acid, which is acidic and polar, with glutamic acid, which is acidic and polar, at codon 181 of the KBTBD13 protein (p.Asp181Glu). This variant is not present in population databases (gnomAD no frequency). This variant has not been reported in the literature in individuals affected with KBTBD13-related conditions. ClinVar contains an entry for this variant (Variation ID: 579317). Invitae Evidence Modeling of protein sequence and biophysical properties (such as structural, functional, and spatial information, amino acid conservation, physicochemical variation, residue mobility, and thermodynamic stability) indicates that this missense variant is not expected to disrupt KBTBD13 protein function with a negative predictive value of 80%. In summary, the available evidence is currently insufficient to determine the role of this variant in disease. Therefore, it has been classified as a Variant of Uncertain Significance.

Ambry Genetics
Classification: Uncertain significance for Inborn genetic diseases. Last evaluated: 2023-03-22. Review status: criteria provided, single submitter. Criteria: Ambry Variant Classification Scheme 2023. Collection method: clinical testing. Allele origin: germline.

Genomic Research Center, Shahid Beheshti University of Medical Sciences
Classification: Uncertain significance for Nemaline myopathy 6. Last evaluated: 2019-04-27. Review status: criteria provided, single submitter. Criteria: ACMG Guidelines, 2015. Collection method: clinical testing. Allele origin: unknown. Affected: yes.